The following is an entry in ClinVar:

ClinVar aggregate classification (germline): Pathogenic (1 of 4 stars; one submission).

Submission:

Labcorp Genetics (formerly Invitae), Labcorp
Classification: Pathogenic. Last evaluated: 2025-07-13. Review status: criteria provided, single submitter. Criteria: Invitae Variant Classification Sherloc (09022015). Collection method: clinical testing. Allele origin: germline.
Comment: This sequence change creates a premature translational stop signal (p.Pro371Thrfs*6) in the CNGA3 gene. While this is not anticipated to result in nonsense mediated decay, it is expected to disrupt the last 324 amino acid(s) of the CNGA3 protein. This variant is not present in population databases (gnomAD no frequency). This variant has not been reported in the literature in individuals affected with CNGA3-related conditions. This variant disrupts a region of the CNGA3 protein in which other variant(s) (p.Arg569His) have been determined to be pathogenic (PMID: 11536077, 17693388, 24148654, 26493561, 30337596). This suggests that this is a clinically significant region of the protein, and that variants that disrupt it are likely to be disease-causing. For these reasons, this variant has been classified as Pathogenic.

Literature cited by the submitters: PubMed 11536077; PubMed 17693388; PubMed 24148654; PubMed 26493561; PubMed 30337596.

NM_001298.3(CNGA3):c.1109dup (p.Pro371fs)

Gene: CNGA3 (cyclic nucleotide gated channel subunit alpha 3; plus strand). Cytogenetic location: 2q11.2.
Variant type: Duplication.
Coding change: c.1109dup on transcript NM_001298.3 (MANE Select); coding-DNA position 1109, one base duplicated (C; older notation c.1109dupC).
Protein change: p.Pro371fs; shifts the reading frame from proline 371.
Molecular consequence: frameshift variant.
Genome position (GRCh38, 1-based): chr2:98,396,279, C duplicated; the last of 4 consecutive C bases (chr2:98,396,276-98,396,279); duplicating any one gives the same sequence. VCF-style (leftmost placement, unchanged base first): chr2-98396275-A-AC. GRCh37 (hg19) VCF-style: chr2-99012738-A-AC.
Other names: c.1055dup, p.Pro353fs (NM_001079878.2); short protein forms P371fs, P353fs.
Identifiers: ClinVar variation 4723091 (VCV004723091.1).